The following is an entry in ClinVar:

NM_001378615.1(CC2D2A):c.2181+1G>A

Genes: CC2D2A (coiled-coil and C2 domain containing 2A; plus strand), FBXL5 (F-box and leucine rich repeat protein 5; minus strand). Cytogenetic location: 4p15.32.
Variant type: single nucleotide variant.
Coding change: c.2181+1G>A on transcript NM_001378615.1 (MANE Select); the canonical splice donor site of the intron after coding-DNA position 2181, G replaced by A.
Molecular consequence: splice donor variant.
Genome position (GRCh38, 1-based): chr4:15,541,015, G>A. VCF-style: chr4-15541015-G-A. GRCh37 (hg19) VCF-style: chr4-15542638-G-A.
Other names: c.2181+1G>A (NM_001080522.2); c.2034+1G>A (NM_001378617.1).
Identifiers: ClinVar variation 2952591 (VCV002952591.4), dbSNP rs1718406119, ClinGen allele CA356414344.
Genomic context (GRCh38, chr4:15,541,015, plus strand): 5'-CACTTTGGGCAGATTTTCAATTTGCAAATAGTCAACTGGCCGGAGAGTTTAACACTTCAG[G>A]TACACATTTTAATTATAGTTACTGGCCGGGCACTGTGGCTCATGCCTGTACTTTGGGAGG-3'

ClinVar aggregate classification (germline): Pathogenic/Likely pathogenic. Review status: criteria provided, multiple submitters, no conflicts (2 of 4 stars). 2 submissions from 2 submitters: Pathogenic (1); Likely pathogenic (1). Last evaluated 2026-06-11.

Conditions:
Joubert syndrome and related disorders. Identifiers: Orphanet 140874, MedGen C5679612, MONDO:0015369.
Joubert syndrome. Also called: JOUBERT-BOLTSHAUSER SYNDROME; Familial aplasia of the vermis. Identifiers: Orphanet 475, MedGen C5979921, MONDO:0018772.
Meckel-Gruber syndrome. Also called: DYSENCEPHALIA SPLANCHNOCYSTICA; GRUBER SYNDROME; Dysencephalia splachnocystica. Identifiers: Orphanet 564, MedGen C0265215, MONDO:0018921.

Submissions (2):

Myriad Genetics, Inc.
Classification: Likely pathogenic for Joubert syndrome and related disorders. Last evaluated: 2026-06-11. Review status: criteria provided, single submitter. Criteria: Myriad Autosomal Dominant, Autosomal Recessive and X-Linked Classification Criteria (2023). Collection method: clinical testing. Allele origin: unknown.
Comment: NM_001080522.2(CC2D2A):c.2181+1G>A is a variant in a canonical splice site classified as likely pathogenic in the context of CC2D2A-related disorders. c.2181+1G>A has been observed in a case with relevant disease (PMID: 26477546). Relevant functional assessments of this variant are not available in the literature. c.2181+1G>A has not been observed in referenced population frequency databases. In summary, NM_001080522.2(CC2D2A):c.2181+1G>A is a variant in a canonical splice site in a gene where loss of function is a known mechanism of disease, is predicted to disrupt protein function, and has been observed more frequently in cases with the relevant disease than in healthy populations. Please note: this variant was assessed in the context of healthy population screening.

Labcorp Genetics (formerly Invitae), Labcorp
Classification: Pathogenic for Joubert syndrome; Meckel-Gruber syndrome. Last evaluated: 2023-04-03. Review status: criteria provided, single submitter. Criteria: Invitae Variant Classification Sherloc (09022015). Collection method: clinical testing. Allele origin: germline.
Comment: This sequence change affects a donor splice site in intron 18 of the CC2D2A gene. It is expected to disrupt RNA splicing. Variants that disrupt the donor or acceptor splice site typically lead to a loss of protein function (PMID: 16199547), and loss-of-function variants in CC2D2A are known to be pathogenic (PMID: 19777577). This variant is not present in population databases (gnomAD no frequency). Disruption of this splice site has been observed in individual(s) with Joubert syndrome (PMID: 26477546). Algorithms developed to predict the effect of sequence changes on RNA splicing suggest that this variant may disrupt the consensus splice site. For these reasons, this variant has been classified as Pathogenic.

Literature cited by the submitters: PubMed 26477546 (cited by Myriad Genetics, Inc. and Labcorp Genetics (formerly Invitae), Labcorp); PubMed 16199547 (cited by Labcorp Genetics (formerly Invitae), Labcorp); PubMed 19777577 (cited by Labcorp Genetics (formerly Invitae), Labcorp).